The following is an entry in ClinVar:

ClinVar aggregate classification (germline): Uncertain significance. Review status: criteria provided, multiple submitters, no conflicts (2 of 4 stars). 2 submissions from 2 submitters: Uncertain significance (2). Last evaluated 2024-02-24.

Allele frequency attached by ClinVar (database versions not stated): gnomAD exomes 0.00001; gnomAD 0.00002; ExAC 0.00003; TOPMed 0.00003.
gnomAD v4.1: 16 of 1,613,288 alleles (0.00099%); highest among the groups gnomAD compares: East Asian, 0.033%; no homozygotes.

Submissions (2):

Labcorp Genetics (formerly Invitae), Labcorp
Classification: Uncertain significance. Last evaluated: 2024-02-24. Review status: criteria provided, single submitter. Criteria: Invitae Variant Classification Sherloc (09022015). Collection method: clinical testing. Allele origin: germline.
Comment: This sequence change replaces proline, which is neutral and non-polar, with leucine, which is neutral and non-polar, at codon 937 of the TAOK2 protein (p.Pro937Leu). This variant is present in population databases (rs772017668, gnomAD 0.04%). This variant has not been reported in the literature in individuals affected with TAOK2-related conditions. ClinVar contains an entry for this variant (Variation ID: 2237925). Algorithms developed to predict the effect of missense changes on protein structure and function output the following: SIFT: "Not Available"; PolyPhen-2: "Benign"; Align-GVGD: "Not Available". The leucine amino acid residue is found in multiple mammalian species, which suggests that this missense change does not adversely affect protein function. In summary, the available evidence is currently insufficient to determine the role of this variant in disease. Therefore, it has been classified as a Variant of Uncertain Significance.

Ambry Genetics
Classification: Uncertain significance. Last evaluated: 2021-07-15. Review status: criteria provided, single submitter. Criteria: Ambry Variant Classification Scheme 2023. Collection method: clinical testing. Allele origin: germline.

NM_016151.4(TAOK2):c.2810C>T (p.Pro937Leu)

Gene: TAOK2 (TAO kinase 2; plus strand). Cytogenetic location: 16p11.2.
Variant type: single nucleotide variant.
Coding change: c.2810C>T on transcript NM_016151.4 (MANE Select); coding-DNA position 2810, C replaced by T.
Protein change: p.Pro937Leu; replaces proline 937 with leucine.
Molecular consequence: missense variant. On other transcripts: intron variant (1).
Genome position (GRCh38, 1-based): chr16:29,987,082, C>T. VCF-style: chr16-29987082-C-T. GRCh37 (hg19) VCF-style: chr16-29998403-C-T.
Other names: c.2471C>T, p.Pro824Leu (NM_001252043.2); c.2232+578C>T (NM_004783.4); short protein forms P937L, P824L.
Identifiers: ClinVar variation 2237925 (VCV002237925.4), dbSNP rs772017668, ClinGen allele CA7998445.
Genomic context (GRCh38, chr16:29,987,082, plus strand): 5'-CTGGAGATGGTTGTCCTTCCCCCGACATCCCTCCTGAACCCCCTCCAACACACCTGAGGC[C>T]CTGCCCTGCCAGCCAGCTCCCTGGACTCCTGTCCCATGGCCTCCTGGCCGGCCTCTCCTT-3'
Protein context (NP_057235.2, residues 927-947): PPEPPPTHLR[Pro937Leu]CPASQLPGLL